The following is an entry in ClinVar:

ClinVar aggregate classification (germline): Conflicting classifications of pathogenicity. Review status: criteria provided, conflicting classifications (1 of 4 stars). 2 submissions from 2 submitters: Uncertain significance (1); Likely benign (1). Last evaluated 2025-08-27.

Conditions:
Hereditary cancer-predisposing syndrome. Also called: Neoplastic Syndromes, Hereditary; Tumor predisposition; Hereditary Cancer Syndrome; Hereditary neoplastic syndrome. Identifiers: Orphanet 140162, MedGen C0027672, MeSH D009386, MONDO:0015356.
Familial adenomatous polyposis 2. Also called: COLORECTAL ADENOMATOUS POLYPOSIS, AUTOSOMAL RECESSIVE; ADENOMAS, MULTIPLE COLORECTAL, AUTOSOMAL RECESSIVE; MYH-associated polyposis; Adenomas, multiple colorectal; FAP type 2; MUTYH-associated polyposis. Identifiers: Orphanet 220460, Orphanet 247798, MedGen C3272841, MONDO:0012041, OMIM 608456.

Submissions (2):

Ambry Genetics
Classification: Likely benign for Hereditary cancer-predisposing syndrome. Last evaluated: 2025-08-27. Review status: criteria provided, single submitter. Criteria: Ambry Variant Classification Scheme 2023. Collection method: clinical testing. Allele origin: germline.

Labcorp Genetics (formerly Invitae), Labcorp
Classification: Uncertain significance for Familial adenomatous polyposis 2. Last evaluated: 2024-09-22. Review status: criteria provided, single submitter. Criteria: Invitae Variant Classification Sherloc (09022015). Collection method: clinical testing. Allele origin: germline.
Comment: This sequence change replaces glutamine, which is neutral and polar, with arginine, which is basic and polar, at codon 314 of the MUTYH protein (p.Gln314Arg). This variant is not present in population databases (gnomAD no frequency). This variant has not been reported in the literature in individuals affected with MUTYH-related conditions. An algorithm developed to predict the effect of missense changes on protein structure and function outputs the following: PolyPhen-2: "Benign". The arginine amino acid residue is found in multiple mammalian species, which suggests that this missense change does not adversely affect protein function. In summary, the available evidence is currently insufficient to determine the role of this variant in disease. Therefore, it has been classified as a Variant of Uncertain Significance.

NM_001048174.2(MUTYH):c.857A>G (p.Gln286Arg)

Gene: MUTYH (mutY DNA glycosylase; minus strand). Cytogenetic location: 1p34.1.
Variant type: single nucleotide variant.
Coding change: c.857A>G on transcript NM_001048174.2 (MANE Select); coding-DNA position 857, A replaced by G.
Protein change: p.Gln286Arg; replaces glutamine 286 with arginine.
Molecular consequence: missense variant. On other transcripts: non-coding transcript variant (7).
Genome position (GRCh38, 1-based): chr1:45,332,079, T>C on the plus strand (A>G on the coding strand, the complement: MUTYH is on the minus strand). VCF-style: chr1-45332079-T-C. GRCh37 (hg19) VCF-style: chr1-45797751-T-C.
Other names: c.857A>G, p.Gln286Arg (NM_001048171.2, NM_001048173.2, NM_001293195.2 and 6 more transcripts); c.860A>G, p.Gln287Arg (NM_001048172.2, NM_001407086.1, NM_001407071.1 and 1 more transcripts); c.941A>G, p.Gln314Arg (NM_001128425.2); c.902A>G, p.Gln301Arg (NM_001293190.2); c.890A>G, p.Gln297Arg (NM_001293191.2, NM_001407069.1, NM_001407077.1); c.581A>G, p.Gln194Arg (NM_001293192.2, NM_001293196.2, NM_001407091.1); c.512A>G, p.Gln171Arg (NM_001350650.2, NM_001350651.2, NM_001407082.1); c.899A>G, p.Gln300Arg (NM_001407083.1, NM_001407085.1); and 5 more; short protein forms Q171R, Q286R, Q287R, Q301R, Q314R, Q258R, Q300R, Q272R.
Identifiers: ClinVar variation 3721295 (VCV003721295.3).